The following is an entry in ClinVar:

ClinVar aggregate classification (germline): Benign. Review status: criteria provided, multiple submitters, no conflicts (2 of 4 stars). 2 submissions from 2 submitters: Benign (2). Last evaluated 2024-07-15.

Allele frequency attached by ClinVar (database versions not stated): 1000 Genomes Project 0.48343; 1000 Genomes Project 30x 0.48969; TOPMed 0.59340; gnomAD 0.59625 and 0.60681; gnomAD exomes 0.62054.

Submissions (2):

Unidad de Genómica Garrahan, Hospital de Pediatría Garrahan
Classification: Benign. Last evaluated: 2024-07-15. Review status: criteria provided, single submitter. Criteria: ACMG Guidelines, 2015. Collection method: clinical testing. Allele origin: germline. Affected: no. Observed: 81 variant alleles.
Comment: This variant is classified as Benign based on local population frequency. This variant was detected in 87% of patients studied in a panel designed for Epileptic and Developmental Encephalopathy and Progressive Myoclonus Epilepsy. Number of patients: 81. Only high quality variants are reported.

GeneDx
Classification: Benign. Last evaluated: 2018-06-24. Review status: criteria provided, single submitter. Criteria: GeneDx Variant Classification Process June 2021. Collection method: clinical testing. Allele origin: germline. Affected: yes.

NM_002473.6(MYH9):c.1012+62_1012+63insA

Gene: MYH9 (myosin heavy chain 9; minus strand). Cytogenetic location: 22q12.3.
Variant type: Insertion.
Coding change: c.1012+62_1012+63insA on transcript NM_002473.6 (MANE Select); bases 62 to 63 of the intron after coding-DNA position 1012, A inserted.
Molecular consequence: intron variant.
Genome position: GRCh38 VCF-style: chr22-36320157-C-CT. GRCh37 (hg19) VCF-style: chr22-36716202-C-CT.
Identifiers: ClinVar variation 1267118 (VCV001267118.4), dbSNP rs3833922, ClinGen allele CA323606675.